The following is an entry in ClinVar:

NM_001278116.2(L1CAM):c.3046+1G>T

Gene: L1CAM (L1 cell adhesion molecule; minus strand). Cytogenetic location: Xq28.
Variant type: single nucleotide variant.
Coding change: c.3046+1G>T on transcript NM_001278116.2 (MANE Select); the canonical splice donor site of the intron after coding-DNA position 3046, G replaced by T.
Molecular consequence: splice donor variant.
Genome position (GRCh38, 1-based): chrX:153,864,820, C>A on the plus strand (G>T on the coding strand, the complement: L1CAM is on the minus strand). VCF-style: chrX-153864820-C-A. GRCh37 (hg19) VCF-style: chrX-153130275-C-A.
Other names: c.3031+1G>T (NM_001143963.2); c.3046+1G>T (NM_024003.3, NM_000425.5).
Identifiers: ClinVar variation 2011761 (VCV002011761.4), dbSNP rs1557090220, ClinGen allele CA415113612.

ClinVar aggregate classification (germline): Likely pathogenic (1 of 4 stars; one submission).

Conditions:
Spastic paraplegia. Identifiers: MedGen C0037772, HP:0001258.

Submission:

Labcorp Genetics (formerly Invitae), Labcorp
Classification: Likely pathogenic for Spastic paraplegia. Last evaluated: 2022-10-11. Review status: criteria provided, single submitter. Criteria: Invitae Variant Classification Sherloc (09022015). Collection method: clinical testing. Allele origin: germline.
Comment: In summary, the currently available evidence indicates that the variant is pathogenic, but additional data are needed to prove that conclusively. Therefore, this variant has been classified as Likely Pathogenic. Algorithms developed to predict the effect of sequence changes on RNA splicing suggest that this variant may disrupt the consensus splice site. Disruption of this splice site has been observed in individual(s) with clinical features of L1 syndrome (Invitae). This variant is not present in population databases (gnomAD no frequency). This sequence change affects a donor splice site in intron 22 of the L1CAM gene. It is expected to disrupt RNA splicing. Variants that disrupt the donor or acceptor splice site typically lead to a loss of protein function (PMID: 16199547), and loss-of-function variants in L1CAM are known to be pathogenic (PMID: 19846429).

Literature cited by the submitters: PubMed 16199547; PubMed 19846429.